The following is an entry in ClinVar:

NM_000038.6(APC):c.8464A>C (p.Ser2822Arg)

Gene: APC (APC regulator of Wnt signaling pathway; plus strand). Cytogenetic location: 5q22.2.
Variant type: single nucleotide variant.
Coding change: c.8464A>C on transcript NM_000038.6 (MANE Select); coding-DNA position 8464, A replaced by C.
Protein change: p.Ser2822Arg; replaces serine 2822 with arginine.
Molecular consequence: missense variant.
Genome position (GRCh38, 1-based): chr5:112,844,058, A>C. VCF-style: chr5-112844058-A-C. GRCh37 (hg19) VCF-style: chr5-112179755-A-C.
Other names: c.8464A>C, p.Ser2822Arg (NM_001127510.3, NM_001354895.2); c.8410A>C, p.Ser2804Arg (NM_001127511.3); c.8518A>C, p.Ser2840Arg (NM_001354896.2); c.8494A>C, p.Ser2832Arg (NM_001354897.2); c.8389A>C, p.Ser2797Arg (NM_001354898.2); c.8380A>C, p.Ser2794Arg (NM_001354899.2); c.8341A>C, p.Ser2781Arg (NM_001354900.2); c.8287A>C, p.Ser2763Arg (NM_001354901.2); and 5 more; short protein forms S2822R, S2804R, S2696R, S2721R, S2731R, S2763R, S2840R, S2662R.
Identifiers: ClinVar variation 629124 (VCV000629124.5), dbSNP rs1554089167, ClinGen allele CA16039691.

ClinVar aggregate classification (germline): Uncertain significance (1 of 4 stars; one submission).

Conditions:
Hereditary cancer-predisposing syndrome. Also called: Neoplastic Syndromes, Hereditary; Tumor predisposition; Hereditary neoplastic syndrome; Hereditary Cancer Syndrome. Identifiers: Orphanet 140162, MedGen C0027672, MeSH D009386, MONDO:0015356.

Submission:

Color Diagnostics, LLC DBA Color Health
Classification: Uncertain significance for Hereditary cancer-predisposing syndrome. Last evaluated: 2023-12-04. Review status: criteria provided, single submitter. Criteria: ACMG Guidelines, 2015. Collection method: clinical testing. Allele origin: germline.
Comment: This missense variant replaces serine with arginine at codon 2822 of the APC protein. Computational prediction suggests that this variant may not impact protein structure and function (internally defined REVEL score threshold <= 0.5, PMID: 27666373). To our knowledge, functional studies have not been reported for this variant. This variant has not been reported in individuals affected with APC-related disorders in the literature. This variant has not been identified in the general population by the Genome Aggregation Database (gnomAD). The available evidence is insufficient to determine the role of this variant in disease conclusively. Therefore, this variant is classified as a Variant of Uncertain Significance.